The following is an entry in ClinVar:

NM_001323289.2(CDKL5):c.2680G>A (p.Ala894Thr)

Gene: CDKL5 (cyclin dependent kinase like 5; plus strand). Cytogenetic location: Xp22.13.
Variant type: single nucleotide variant.
Coding change: c.2680G>A on transcript NM_001323289.2 (MANE Select); coding-DNA position 2680, G replaced by A.
Protein change: p.Ala894Thr; replaces alanine 894 with threonine.
Molecular consequence: missense variant.
Genome position (GRCh38, 1-based): chrX:18,628,554, G>A. VCF-style: chrX-18628554-G-A. GRCh37 (hg19) VCF-style: chrX-18646674-G-A.
Other names: c.2680G>A, p.Ala894Thr (NM_001037343.2, NM_003159.3); short protein forms A894T.
Identifiers: ClinVar variation 512529 (VCV000512529.10), dbSNP rs763110247, ClinGen allele CA10360572.

ClinVar aggregate classification (germline): Benign/Likely benign. Review status: criteria provided, multiple submitters, no conflicts (2 of 4 stars). 2 submissions from 2 submitters: Benign (1); Likely benign (1). Last evaluated 2023-10-28.

Conditions:
Developmental and epileptic encephalopathy, 2 (DEE2). Also called: INFANTILE SPASM SYNDROME, X-LINKED 2; CDKL5 deficiency disorder. Identifiers: Orphanet 1934, Orphanet 3451, Orphanet 505652, MedGen C4750718, MONDO:0010396, OMIM 300672.
Angelman syndrome-like. Identifiers: MedGen CN128785.

Allele frequency attached by ClinVar (database versions not stated): gnomAD 0.00001; gnomAD exomes 0.00005; ExAC 0.00007.
gnomAD v4.1: 39 of 1,210,024 alleles (0.0032%); highest among the groups gnomAD compares: South Asian, 0.044%; no homozygotes.

Submissions (2):

Labcorp Genetics (formerly Invitae), Labcorp
Classification: Benign for Developmental and epileptic encephalopathy, 2; Angelman syndrome-like. Last evaluated: 2023-10-28. Review status: criteria provided, single submitter. Criteria: Invitae Variant Classification Sherloc (09022015). Collection method: clinical testing. Allele origin: germline.

GeneDx
Classification: Likely benign. Last evaluated: 2017-10-09. Review status: criteria provided, single submitter. Criteria: GeneDx Variant Classification (06012015). Collection method: clinical testing. Allele origin: germline. Affected: yes.
Comment: This variant is considered likely benign or benign based on one or more of the following criteria: it is a conservative change, it occurs at a poorly conserved position in the protein, it is predicted to be benign by multiple in silico algorithms, and/or has population frequency not consistent with disease.